The following is an entry in ClinVar:

ClinVar aggregate classification (germline): Benign. Review status: criteria provided, multiple submitters, no conflicts (2 of 4 stars). 3 submissions from 3 submitters: Benign (2). 1 of the submissions does not count toward it. Last evaluated 2026-02-01.

Conditions:
DNAH9-related disorder. Also called: DNAH9-related condition.

Allele frequency attached by ClinVar (database versions not stated): gnomAD exomes 0.00105 and 0.00264; ExAC 0.00326; gnomAD 0.01101 and 0.01187; 1000 Genomes Project 0.01178; TOPMed 0.01203; ESP Exome Variant Server 0.01253; 1000 Genomes Project 30x 0.01374.
gnomAD v4.1: 3,260 of 1,613,892 alleles (0.2%); highest among the groups gnomAD compares: African/African-American, 3.9%; 75 homozygotes.

Submissions (3):

Labcorp Genetics (formerly Invitae), Labcorp
Classification: Benign. Last evaluated: 2026-02-01. Review status: criteria provided, single submitter. Criteria: Invitae Variant Classification Sherloc (09022015). Collection method: clinical testing. Allele origin: germline.

Breakthrough Genomics
Classification: Benign. Review status: criteria provided, single submitter. Criteria: ACMG Guidelines, 2015. Collection method: not provided. Allele origin: germline. Inheritance: Autosomal recessive inheritance. Affected: yes.

PreventionGenetics, part of Exact Sciences
Classification: Benign for DNAH9-related condition. Last evaluated: 2019-07-11. Review status: no assertion criteria provided. Collection method: clinical testing. Allele origin: germline. Not counted in ClinVar's aggregate classification.
Comment: This variant is classified as benign based on ACMG/AMP sequence variant interpretation guidelines (Richards et al. 2015 PMID: 25741868, with internal and published modifications).

NM_001372.4(DNAH9):c.1995T>C (p.Asp665=)

Gene: DNAH9 (dynein axonemal heavy chain 9; plus strand). Cytogenetic location: 17p12.
Variant type: single nucleotide variant.
Coding change: c.1995T>C on transcript NM_001372.4 (MANE Select); coding-DNA position 1995, T replaced by C.
Protein change: p.Asp665=; no amino-acid change (aspartic acid 665 retained).
Molecular consequence: synonymous variant.
Genome position (GRCh38, 1-based): chr17:11,647,096, T>C. VCF-style: chr17-11647096-T-C. GRCh37 (hg19) VCF-style: chr17-11550413-T-C.
Identifiers: ClinVar variation 786307 (VCV000786307.12), dbSNP rs61745426, ClinGen allele CA8395063.